The following is an entry in ClinVar:

ClinVar aggregate classification (germline): Likely benign (1 of 4 stars; one submission).

gnomAD v4.1: 3 of 1,613,686 alleles (0.00019%); highest among the groups gnomAD compares: Admixed American, 0.0033%; no homozygotes.

Submission:

CeGaT Center for Human Genetics Tuebingen
Classification: Likely benign. Last evaluated: 2026-05-01. Review status: criteria provided, single submitter. Criteria: CeGaT Center For Human Genetics Tuebingen Variant Classification Criteria Version 2. Collection method: clinical testing. Allele origin: germline. Affected: yes. Observed: 1 variant allele.
Comment: ZNF423: BP4, BP7

NM_001379286.1(ZNF423):c.2002C>A (p.Arg668=)

Gene: ZNF423 (zinc finger protein 423; minus strand). Cytogenetic location: 16q12.1.
Variant type: single nucleotide variant.
Coding change: c.2002C>A on transcript NM_001379286.1 (MANE Select); coding-DNA position 2002, C replaced by A.
Protein change: p.Arg668=; no amino-acid change (arginine 668 retained).
Molecular consequence: synonymous variant.
Genome position (GRCh38, 1-based): chr16:49,637,174, G>T on the plus strand (C>A on the coding strand, the complement: ZNF423 is on the minus strand). VCF-style: chr16-49637174-G-T. GRCh37 (hg19) VCF-style: chr16-49671085-G-T.
Other names: c.1798C>A, p.Arg600= (NM_001271620.2); c.1627C>A, p.Arg543= (NM_001330533.2); c.1978C>A, p.Arg660= (NM_015069.5).
Identifiers: ClinVar variation 4874848 (VCV004874848.2).